The following is an entry in ClinVar:

NM_000246.4(CIITA):c.1068G>A (p.Pro356=)

Gene: CIITA (class II major histocompatibility complex transactivator; plus strand). Cytogenetic location: 16p13.13.
Variant type: single nucleotide variant.
Coding change: c.1068G>A on transcript NM_000246.4 (MANE Select); coding-DNA position 1068, G replaced by A.
Protein change: p.Pro356=; no amino-acid change (proline 356 retained).
Molecular consequence: synonymous variant. On other transcripts: intron variant (1).
Genome position (GRCh38, 1-based): chr16:10,906,560, G>A. VCF-style: chr16-10906560-G-A. GRCh37 (hg19) VCF-style: chr16-11000417-G-A.
Other names: c.1071G>A, p.Pro357= (NM_001286402.1, NM_001379332.1); c.924G>A, p.Pro308= (NM_001379330.1); c.921G>A, p.Pro307= (NM_001379331.1); c.1068G>A, p.Pro356= (NM_001379333.1); c.999G>A, p.Pro333= (NM_001379334.1); c.859+1748G>A (NM_001286403.2).
Identifiers: ClinVar variation 528793 (VCV000528793.42), dbSNP rs140486686, ClinGen allele CA7900050.

ClinVar aggregate classification (germline): Conflicting classifications of pathogenicity. Review status: criteria provided, conflicting classifications (1 of 4 stars). 5 submissions from 5 submitters: Uncertain significance (1); Benign (1); Likely benign (2). 1 of the submissions does not count toward it. Last evaluated 2026-01-28.

Conditions:
MHC class II deficiency. Also called: Bare lymphocyte syndrome 2; BLS, TYPE II. Identifiers: Orphanet 572, MedGen C5447452, MONDO:0008855.
CIITA-related disorder. Also called: CIITA-related condition.

Allele frequency attached by ClinVar (database versions not stated): ExAC 0.00080; gnomAD 0.00080 and 0.00081; gnomAD exomes 0.00086; TOPMed 0.00086; 1000 Genomes Project 0.00100; 1000 Genomes Project 30x 0.00109; ESP Exome Variant Server 0.00146.
gnomAD v4.1: 1,609 of 1,613,160 alleles (0.1%); highest among the groups gnomAD compares: Middle Eastern, 0.51%; 4 homozygotes.

Submissions (5):

Labcorp Genetics (formerly Invitae), Labcorp
Classification: Benign for MHC class II deficiency. Last evaluated: 2026-01-28. Review status: criteria provided, single submitter. Criteria: Invitae Variant Classification Sherloc (09022015). Collection method: clinical testing. Allele origin: germline.

CeGaT Center for Human Genetics Tuebingen
Classification: Likely benign. Last evaluated: 2025-07-01. Review status: criteria provided, single submitter. Criteria: CeGaT Center For Human Genetics Tuebingen Variant Classification Criteria Version 2. Collection method: clinical testing. Allele origin: germline. Affected: yes. Observed: 2 variant alleles.
Comment: CIITA: BP4, BP7

Blueprint Genetics
Classification: Likely benign. Last evaluated: 2024-09-21. Review status: criteria provided, single submitter. Criteria: ACMG Guidelines, 2015. Collection method: clinical testing. Allele origin: germline.

Illumina Laboratory Services, Illumina
Classification: Uncertain significance for MHC class II deficiency 1. Last evaluated: 2018-03-30. Review status: criteria provided, single submitter. Criteria: ICSL Variant Classification Criteria 13 December 2019. Collection method: clinical testing. Allele origin: germline.

PreventionGenetics, part of Exact Sciences
Classification: Likely benign for CIITA-related condition. Last evaluated: 2023-12-28. Review status: no assertion criteria provided. Collection method: clinical testing. Allele origin: germline. Not counted in ClinVar's aggregate classification.
Comment: This variant is classified as likely benign based on ACMG/AMP sequence variant interpretation guidelines (Richards et al. 2015 PMID: 25741868, with internal and published modifications).